The following is an entry in ClinVar:

ClinVar aggregate classification (germline): Uncertain significance (1 of 4 stars; one submission).

Submission:

Labcorp Genetics (formerly Invitae), Labcorp
Classification: Uncertain significance. Last evaluated: 2024-03-18. Review status: criteria provided, single submitter. Criteria: Invitae Variant Classification Sherloc (09022015). Collection method: clinical testing. Allele origin: germline.
Comment: This sequence change falls in intron 9 of the KCNH1 gene. It does not directly change the encoded amino acid sequence of the KCNH1 protein. It affects a nucleotide within the consensus splice site. This variant is not present in population databases (gnomAD no frequency). This variant has not been reported in the literature in individuals affected with KCNH1-related conditions. Variants that disrupt the consensus splice site are a relatively common cause of aberrant splicing (PMID: 17576681, 9536098). Algorithms developed to predict the effect of sequence changes on RNA splicing suggest that this variant may disrupt the consensus splice site. In summary, the available evidence is currently insufficient to determine the role of this variant in disease. Therefore, it has been classified as a Variant of Uncertain Significance.

Literature cited by the submitters: PubMed 17576681; PubMed 9536098.

NM_172362.3(KCNH1):c.1915+5G>T

Gene: KCNH1 (potassium voltage-gated channel subfamily H member 1; minus strand). Cytogenetic location: 1q32.2.
Variant type: single nucleotide variant.
Coding change: c.1915+5G>T on transcript NM_172362.3 (MANE Select); 5 bases into the intron after coding-DNA position 1915, G replaced by T.
Molecular consequence: intron variant.
Genome position (GRCh38, 1-based): chr1:210,797,503, C>A on the plus strand (G>T on the coding strand, the complement: KCNH1 is on the minus strand). VCF-style: chr1-210797503-C-A. GRCh37 (hg19) VCF-style: chr1-210970845-C-A.
Other names: c.1834+5G>T (NM_002238.4).
Identifiers: ClinVar variation 3677069 (VCV003677069.2).